The following is an entry in ClinVar:

ClinVar aggregate classification (germline): Uncertain significance (1 of 4 stars; one submission).

Conditions:
PCNT-related disorder. Also called: PCNT-related condition.

gnomAD v4.1: 1 of 1,570,396 alleles (0.000064%); highest among the groups gnomAD compares: African/African-American, 0.0013%; no homozygotes.

Submission:

PreventionGenetics, part of Exact Sciences
Classification: Uncertain significance for PCNT-related condition. Last evaluated: 2025-01-17. Review status: criteria provided, single submitter. Criteria: ACMG Guidelines, 2015. Collection method: clinical testing. Allele origin: germline.
Comment: The PCNT c.4145T>C variant is predicted to result in the amino acid substitution p.Leu1382Pro. To our knowledge, this variant has not been reported in the literature or in a large population database (gnomAD), indicating this variant is rare. At this time, the clinical significance of this variant is uncertain due to the absence of conclusive functional and genetic evidence.

NM_006031.6(PCNT):c.4145T>C (p.Leu1382Pro)

Gene: PCNT (pericentrin; plus strand). Cytogenetic location: 21q22.3.
Variant type: single nucleotide variant.
Coding change: c.4145T>C on transcript NM_006031.6 (MANE Select); coding-DNA position 4145, T replaced by C.
Protein change: p.Leu1382Pro; replaces leucine 1382 with proline.
Molecular consequence: missense variant.
Genome position (GRCh38, 1-based): chr21:46,391,305, T>C. VCF-style: chr21-46391305-T-C. GRCh37 (hg19) VCF-style: chr21-47811220-T-C.
Other names: c.3791T>C, p.Leu1264Pro (NM_001315529.2); short protein forms L1382P, L1264P.
Identifiers: ClinVar variation 4978487 (VCV004978487.1).